The following is an entry in ClinVar:

NC_000023.10:g.(?_31676087)_(31854956_?)del

Gene: DMD (dystrophin; minus strand). Cytogenetic location: Xp21.1.
Variant type: Deletion.
Identifiers: ClinVar variation 3248278 (VCV003248278.1).

ClinVar aggregate classification (germline): Pathogenic (1 of 4 stars; one submission).

Conditions:
Duchenne muscular dystrophy (DMD). Also called: MUSCULAR DYSTROPHY, PSEUDOHYPERTROPHIC PROGRESSIVE, DUCHENNE TYPE; Duchenne Muscular Dystrophy (DMD). Identifiers: Orphanet 98896, MedGen C0013264, MONDO:0010679, OMIM 310200.

Submission:

Labcorp Genetics (formerly Invitae), Labcorp
Classification: Pathogenic for Duchenne muscular dystrophy. Last evaluated: 2023-12-25. Review status: criteria provided, single submitter. Criteria: Invitae Variant Classification Sherloc (09022015). Collection method: clinical testing. Allele origin: unknown.
Comment: This variant is a gross deletion of the genomic region encompassing exon(s) 49-54 of the DMD gene. This deletion is out-of-frame, and is expected to create a premature termination codon and result in an absent or disrupted protein product. Loss-of-function variants in DMD are known to be pathogenic (PMID: 16770791, 25007885). A similar copy number variant has been observed in individuals with clinical features of DMD-related conditions (PMID: 16030524, 25482253). For these reasons, this variant has been classified as Pathogenic.

Literature cited by the submitters: PubMed 16770791; PubMed 25007885; PubMed 16030524; PubMed 25482253.